The following is an entry in ClinVar:

ClinVar aggregate classification (germline): Uncertain significance. Review status: criteria provided, multiple submitters, no conflicts (2 of 4 stars). 4 submissions from 3 submitters: Uncertain significance (4). Last evaluated 2026-05-04.

Conditions:
Asphyxiating thoracic dystrophy 4 (SRTD4). Also called: SHORT-RIB THORACIC DYSPLASIA 4 WITH OR WITHOUT POLYDACTYLY; SHORT-RIB THORACIC DYSPLASIA 4. Identifiers: Orphanet 474, MedGen C3151185, MONDO:0013441, OMIM 613819.
TTC21B-related disorder. Also called: TTC21B-related disorders; TTC21B-related condition.
Nephronophthisis. Also called: Juvenile Nephronophthisis. Identifiers: Orphanet 655, MedGen C0687120, MONDO:0019005, HP:0000090.
Jeune thoracic dystrophy. Also called: Infantile thoracic dystrophy; Thoracic pelvic phalangeal dystrophy; Jeune's syndrome; Chondroectodermal dysplasia-like syndrome; Jeune syndrome; Short-rib thoracic dysplasia. Identifiers: Orphanet 474, MedGen C0265275, MONDO:0018770.
Nephronophthisis 12 (NPHP12). Identifiers: Orphanet 655, MedGen C3151186, MONDO:0013442, OMIM 613820.

Allele frequency attached by ClinVar (database versions not stated): gnomAD exomes below 0.00001; gnomAD 0.00001; TOPMed 0.00002.
gnomAD v4.1: 18 of 1,614,014 alleles (0.0011%); highest among the groups gnomAD compares: Non-Finnish European, 0.0014%; no homozygotes.

Submissions (4):

PreventionGenetics, part of Exact Sciences
Classification: Uncertain significance for TTC21B-related condition. Last evaluated: 2026-05-04. Review status: criteria provided, single submitter. Criteria: ACMG Guidelines, 2015. Collection method: clinical testing. Allele origin: germline.
Comment: The TTC21B c.3500A>G variant is predicted to result in the amino acid substitution p.Tyr1167Cys. This variant has been reported in an individual with nephronophthisis (Table S2, Davis et al. 2011. PubMed ID: 21258341). This variant is reported in 0.0040% of alleles in individuals of African descent in gnomAD, and it is interpreted as uncertain in ClinVar (Variation ID: 893328). At this time, the clinical significance of this variant is uncertain due to the absence of conclusive functional and genetic evidence.

Labcorp Genetics (formerly Invitae), Labcorp
Classification: Uncertain significance for Jeune thoracic dystrophy; Nephronophthisis. Last evaluated: 2024-01-12. Review status: criteria provided, single submitter. Criteria: Invitae Variant Classification Sherloc (09022015). Collection method: clinical testing. Allele origin: germline.
Comment: This sequence change replaces tyrosine, which is neutral and polar, with cysteine, which is neutral and slightly polar, at codon 1167 of the TTC21B protein (p.Tyr1167Cys). This variant is present in population databases (no rsID available, gnomAD 0.004%). This missense change has been observed in individual(s) with nephronophthisis (PMID: 21258341). ClinVar contains an entry for this variant (Variation ID: 893328). Advanced modeling of protein sequence and biophysical properties (such as structural, functional, and spatial information, amino acid conservation, physicochemical variation, residue mobility, and thermodynamic stability) performed at Invitae indicates that this missense variant is not expected to disrupt TTC21B protein function with a negative predictive value of 95%. In summary, the available evidence is currently insufficient to determine the role of this variant in disease. Therefore, it has been classified as a Variant of Uncertain Significance.

Illumina Laboratory Services, Illumina
Classification: Uncertain significance for Asphyxiating thoracic dystrophy 4. Last evaluated: 2017-04-27. Review status: criteria provided, single submitter. Criteria: ICSL Variant Classification Criteria 13 December 2019. Collection method: clinical testing. Allele origin: germline.
Comment: This variant was observed as part of a predisposition screen in an ostensibly healthy population. A literature search was performed for the gene, cDNA change, and amino acid change (where applicable). Publications were found based on this search. However, the evidence from the literature, in combination with allele frequency data from public databases where available, was not sufficient to rule this variant in or out of causing disease. Therefore, this variant is classified as a variant of unknown significance.

Illumina Laboratory Services, Illumina
Classification: Uncertain significance for Nephronophthisis 12. Last evaluated: 2017-04-27. Review status: criteria provided, single submitter. Criteria: ICSL Variant Classification Criteria 13 December 2019. Collection method: clinical testing. Allele origin: germline.

Literature cited by the submitters: PubMed 21258341 (cited by Labcorp Genetics (formerly Invitae), Labcorp and Illumina Laboratory Services, Illumina).

NM_024753.5(TTC21B):c.3500A>G (p.Tyr1167Cys)

Gene: TTC21B (tetratricopeptide repeat domain 21B; minus strand). Cytogenetic location: 2q24.3.
Variant type: single nucleotide variant.
Coding change: c.3500A>G on transcript NM_024753.5 (MANE Select); coding-DNA position 3500, A replaced by G.
Protein change: p.Tyr1167Cys; replaces tyrosine 1167 with cysteine.
Molecular consequence: missense variant.
Genome position (GRCh38, 1-based): chr2:165,883,978, T>C on the plus strand (A>G on the coding strand, the complement: TTC21B is on the minus strand). VCF-style: chr2-165883978-T-C. GRCh37 (hg19) VCF-style: chr2-166740488-T-C.
Other names: short protein forms Y1167C.
Identifiers: ClinVar variation 893328 (VCV000893328.10), dbSNP rs1040877016, ClinGen allele CA59769765.